The following is an entry in ClinVar:

NM_001378452.1(ITPR1):c.4270T>G (p.Cys1424Gly)

Gene: ITPR1 (inositol 1,4,5-trisphosphate receptor type 1; plus strand). Cytogenetic location: 3p26.1.
Variant type: single nucleotide variant.
Coding change: c.4270T>G on transcript NM_001378452.1 (MANE Select); coding-DNA position 4270, T replaced by G.
Protein change: p.Cys1424Gly; replaces cysteine 1424 with glycine.
Molecular consequence: missense variant.
Genome position (GRCh38, 1-based): chr3:4,693,730, T>G. VCF-style: chr3-4693730-T-G. GRCh37 (hg19) VCF-style: chr3-4735414-T-G.
Other names: c.4243T>G, p.Cys1415Gly (NM_001099952.4); c.4225T>G, p.Cys1409Gly (NM_001168272.2); c.4198T>G, p.Cys1400Gly (NM_002222.7); short protein forms C1415G, C1400G, C1409G, C1424G.
Identifiers: ClinVar variation 3685285 (VCV003685285.2).

ClinVar aggregate classification (germline): Uncertain significance (1 of 4 stars; one submission).

gnomAD v4.1: 1 of 1,612,578 alleles (0.000062%); no homozygotes.

Submission:

Labcorp Genetics (formerly Invitae), Labcorp
Classification: Uncertain significance. Last evaluated: 2025-03-10. Review status: criteria provided, single submitter. Criteria: Invitae Variant Classification Sherloc (09022015). Collection method: clinical testing. Allele origin: germline.
Comment: This sequence change replaces cysteine, which is neutral and slightly polar, with glycine, which is neutral and non-polar, at codon 1400 of the ITPR1 protein (p.Cys1400Gly). This variant is present in population databases (no rsID available, gnomAD no frequency). This variant has not been reported in the literature in individuals affected with ITPR1-related conditions. Invitae Evidence Modeling of protein sequence and biophysical properties (such as structural, functional, and spatial information, amino acid conservation, physicochemical variation, residue mobility, and thermodynamic stability) indicates that this missense variant is expected to disrupt ITPR1 protein function with a positive predictive value of 95%. In summary, the available evidence is currently insufficient to determine the role of this variant in disease. Therefore, it has been classified as a Variant of Uncertain Significance.